The following is an entry in ClinVar:

ClinVar aggregate classification (germline): Uncertain significance (1 of 4 stars; one submission).

Conditions:
Gastrointestinal stromal tumor. Also called: Gastrointestinal stroma tumor; Gastrointestinal stromal tumor, somatic. Identifiers: Orphanet 44890, MedGen C0238198, MeSH D046152, MONDO:0011719, OMIM 606764, HP:0100723.

Submission:

Labcorp Genetics (formerly Invitae), Labcorp
Classification: Uncertain significance for Gastrointestinal stromal tumor. Last evaluated: 2025-11-10. Review status: criteria provided, single submitter. Criteria: Invitae Variant Classification Sherloc (09022015). Collection method: clinical testing. Allele origin: germline.
Comment: This sequence change replaces glycine, which is neutral and non-polar, with tryptophan, which is neutral and slightly polar, at codon 180 of the PDGFRA protein (p.Gly180Trp). This variant is not present in population databases (gnomAD no frequency). This variant has not been reported in the literature in individuals affected with PDGFRA-related conditions. ClinVar contains an entry for this variant (Variation ID: 1502304). Invitae Evidence Modeling of protein sequence and biophysical properties (such as structural, functional, and spatial information, amino acid conservation, physicochemical variation, residue mobility, and thermodynamic stability) indicates that this missense variant is not expected to disrupt PDGFRA protein function with a negative predictive value of 80%. In summary, the available evidence is currently insufficient to determine the role of this variant in disease. Therefore, it has been classified as a Variant of Uncertain Significance.

NM_006206.6(PDGFRA):c.538G>T (p.Gly180Trp)

Gene: PDGFRA (platelet derived growth factor receptor alpha; plus strand). Cytogenetic location: 4q12.
Variant type: single nucleotide variant.
Coding change: c.538G>T on transcript NM_006206.6 (MANE Select); coding-DNA position 538, G replaced by T.
Protein change: p.Gly180Trp; replaces glycine 180 with tryptophan.
Molecular consequence: missense variant.
Genome position (GRCh38, 1-based): chr4:54,263,837, G>T. VCF-style: chr4-54263837-G-T. GRCh37 (hg19) VCF-style: chr4-55130004-G-T.
Other names: c.538G>T, p.Gly180Trp (NM_001347827.2, NM_001347829.2); c.613G>T, p.Gly205Trp (NM_001347828.2); c.577G>T, p.Gly193Trp (NM_001347830.2); short protein forms G180W, G205W, G193W.
Identifiers: ClinVar variation 1502304 (VCV001502304.8), dbSNP rs2110252767, ClinGen allele CA356890043.